The following is an entry in ClinVar:

ClinVar aggregate classification (germline): Conflicting classifications of pathogenicity. Review status: criteria provided, conflicting classifications (1 of 4 stars). 4 submissions from 4 submitters: Uncertain significance (3); Likely benign (1). Last evaluated 2024-06-04.

Conditions:
Cardiovascular phenotype. Identifiers: MedGen CN230736.
Dilated cardiomyopathy 1JJ (CMD1JJ). Identifiers: Orphanet 154, MedGen C3808935, MONDO:0014095, OMIM 615235.

Allele frequency attached by ClinVar (database versions not stated): gnomAD exomes 0.00001; ExAC 0.00003; gnomAD 0.00003; TOPMed 0.00003.
gnomAD v4.1: 30 of 1,613,998 alleles (0.0019%); highest among the groups gnomAD compares: Admixed American, 0.005%; no homozygotes.

Submissions (4):

Labcorp Genetics (formerly Invitae), Labcorp
Classification: Uncertain significance for Dilated cardiomyopathy 1JJ. Last evaluated: 2024-06-04. Review status: criteria provided, single submitter. Criteria: Invitae Variant Classification Sherloc (09022015). Collection method: clinical testing. Allele origin: germline.
Comment: This sequence change replaces phenylalanine, which is neutral and non-polar, with leucine, which is neutral and non-polar, at codon 464 of the LAMA4 protein (p.Phe464Leu). This variant is present in population databases (rs782067046, gnomAD 0.004%). This variant has not been reported in the literature in individuals affected with LAMA4-related conditions. ClinVar contains an entry for this variant (Variation ID: 1311224). Algorithms developed to predict the effect of missense changes on protein structure and function output the following: SIFT: "Not Available"; PolyPhen-2: "Benign"; Align-GVGD: "Not Available". The leucine amino acid residue is found in multiple mammalian species, which suggests that this missense change does not adversely affect protein function. In summary, the available evidence is currently insufficient to determine the role of this variant in disease. Therefore, it has been classified as a Variant of Uncertain Significance.

Ambry Genetics
Classification: Likely benign for Cardiovascular phenotype. Last evaluated: 2023-11-22. Review status: criteria provided, single submitter. Criteria: Ambry Variant Classification Scheme 2023. Collection method: clinical testing. Allele origin: germline.

GeneDx
Classification: Uncertain significance. Last evaluated: 2023-11-13. Review status: criteria provided, single submitter. Criteria: GeneDx Variant Classification Process June 2021. Collection method: clinical testing. Allele origin: germline. Affected: yes.
Comment: Has not been previously published as pathogenic or benign to our knowledge; Not observed at significant frequency in large population cohorts (gnomAD); In silico analysis supports that this missense variant does not alter protein structure/function

Mayo Clinic Laboratories, Mayo Clinic
Classification: Uncertain significance. Last evaluated: 2021-05-20. Review status: criteria provided, single submitter. Criteria: ACMG Guidelines, 2015. Collection method: clinical testing. Allele origin: germline.

NM_001105206.3(LAMA4):c.1411T>C (p.Phe471Leu)

Gene: LAMA4 (laminin subunit alpha 4; minus strand). Cytogenetic location: 6q21.
Variant type: single nucleotide variant.
Coding change: c.1411T>C on transcript NM_001105206.3 (MANE Select); coding-DNA position 1411, T replaced by C.
Protein change: p.Phe471Leu; replaces phenylalanine 471 with leucine.
Molecular consequence: missense variant.
Genome position (GRCh38, 1-based): chr6:112,172,751, A>G on the plus strand (T>C on the coding strand, the complement: LAMA4 is on the minus strand). VCF-style: chr6-112172751-A-G. GRCh37 (hg19) VCF-style: chr6-112493953-A-G.
Other names: p.Phe464Leu; c.1390T>C, p.Phe464Leu (NM_001105207.3, NM_002290.5); short protein forms F464L, F471L.
Identifiers: ClinVar variation 1311224 (VCV001311224.14), dbSNP rs782067046, ClinGen allele CA3965776.